The following is an entry in ClinVar:

NM_016341.4(PLCE1):c.6556G>A (p.Asp2186Asn)

Genes: NOC3L (NOC3 like DNA replication regulator; minus strand), PLCE1 (phospholipase C epsilon 1; plus strand). Cytogenetic location: 10q23.33.
Variant type: single nucleotide variant.
Coding change: c.6556G>A on transcript NM_016341.4 (MANE Select); coding-DNA position 6556, G replaced by A.
Protein change: p.Asp2186Asn; replaces aspartic acid 2186 with asparagine.
Molecular consequence: missense variant.
Genome position (GRCh38, 1-based): chr10:94,324,403, G>A. VCF-style: chr10-94324403-G-A. GRCh37 (hg19) VCF-style: chr10-96084160-G-A.
Other names: c.5632G>A, p.Asp1878Asn (NM_001165979.2); c.6508G>A, p.Asp2170Asn (NM_001288989.2); short protein forms D2186N, D1878N, D2170N.
Identifiers: ClinVar variation 2060956 (VCV002060956.5), dbSNP rs765395358, ClinGen allele CA5613613.
Genomic context (GRCh38, chr10:94,324,403, plus strand): 5'-TTTCAGACCTTATGCAAAGCCAAATATTCCTACAGCATCCTGAGCAACCCCAATCCAAGC[G>A]ACTATGTGCTTTTGGAAGAGGTGGTGAAAGACACTACCAACAAGAAGACTACCACACCAA-3'
Protein context (NP_057425.3, residues 2176-2196): YSILSNPNPS[Asp2186Asn]YVLLEEVVKD

ClinVar aggregate classification (germline): Uncertain significance. Review status: criteria provided, multiple submitters, no conflicts (2 of 4 stars). 2 submissions from 2 submitters: Uncertain significance (2). Last evaluated 2024-01-11.

Conditions:
Nephrotic syndrome, type 3 (NPHS3). Also called: NEPHROTIC SYNDROME, EARLY-ONSET, TYPE 3. Identifiers: Orphanet 656, MedGen C1853124, MONDO:0012546, OMIM 610725.

Allele frequency attached by ClinVar (database versions not stated): TOPMed below 0.00001; ExAC 0.00001; gnomAD exomes 0.00001.
gnomAD v4.1: 8 of 1,614,116 alleles (0.0005%); highest among the groups gnomAD compares: Admixed American, 0.0033%; no homozygotes.

Submissions (2):

Fulgent Genetics
Classification: Uncertain significance for Nephrotic syndrome, type 3. Last evaluated: 2024-01-11. Review status: criteria provided, single submitter. Criteria: ACMG Guidelines, 2015. Collection method: clinical testing. Allele origin: germline.

Labcorp Genetics (formerly Invitae), Labcorp
Classification: Uncertain significance. Last evaluated: 2022-11-13. Review status: criteria provided, single submitter. Criteria: Invitae Variant Classification Sherloc (09022015). Collection method: clinical testing. Allele origin: germline.
Comment: In summary, the available evidence is currently insufficient to determine the role of this variant in disease. Therefore, it has been classified as a Variant of Uncertain Significance. This sequence change replaces aspartic acid, which is acidic and polar, with asparagine, which is neutral and polar, at codon 2186 of the PLCE1 protein (p.Asp2186Asn). This variant is present in population databases (rs765395358, gnomAD 0.003%). This variant has not been reported in the literature in individuals affected with PLCE1-related conditions. Advanced modeling of protein sequence and biophysical properties (such as structural, functional, and spatial information, amino acid conservation, physicochemical variation, residue mobility, and thermodynamic stability) performed at Invitae indicates that this missense variant is not expected to disrupt PLCE1 protein function.